The following is an entry in ClinVar:

ClinVar aggregate classification (germline): Uncertain significance (1 of 4 stars; one submission).

Submission:

Clinical Genomics Laboratory, Laboratory for Precision Diagnostics, University of Washington
Classification: Uncertain significance. Last evaluated: 2024-12-13. Review status: criteria provided, single submitter. Criteria: ACMG/ClinGen CNV Guidelines, 2019. Collection method: clinical testing. Allele origin: unknown. Affected: yes. Observed: 1 variant allele.
Comment: The duplication is approximately 84 kb in size and affects one protein-coding gene, BRWD3. One of the breakpoints of the duplication is within intron 6 of BRWD3 (NM_153252.5) and the other is downstream of the final exon, leading to a partial duplication of BRWD3 from exon 7 to the 3'UTR. Variants in BRWD3 that result in loss of function cause mild to moderate intellectual disability. And partial gene duplications have the potential to disrupt gene function. However, this test cannot determine whether this duplication disrupts or alters the expression of BRWD3, or if the duplicated region is in tandem or located elsewhere in the genome, with potential for pathogenic disruption of genes at the insertion site. Very similar duplications at low frequency appear in databases of copy number variants found in healthy control groups. In gnomAD version 4.1, a duplication with one breakpoint in BRWD3 intron 6 and the other downstream of the final exon was found in 5 out of 95,868 alleles, including 3 people with XY sex chromosomes and a homozygous duplication in a person with XX sex chromosomes. A similar duplication was reported in 6 patients submitted to DECIPHER, a database of copy number variants found in people who have had clinical testing. One patient had a second copy number variant, no phenotype was reported for a second patient, and no inheritance information was reported for a third. The other three patients all had XY sex chromosomes and an isolated maternal partial duplication with a breakpoint in BRWD3 intron 6. Their phenotypes were absent speech (314689); mild short stature, broad forehead, inguinal hernia, moderate global developmental delay (351467); distinctive facial features, macrocephaly, global developmental delay, borderline intellectual disability (314839). Similar duplications have been reported 7 times to ClinVar and classified as both likely pathogenic (1) and as a variant of uncertain significance (6). PMID: 24372385 detected a partial duplication of BRWD3 in a person with rolandic epilepsies, though the duplication was of BRWD3 exons 1-18.

Literature cited by the submitters: PubMed 24372385.

GRCh38/hg38 Xq21.1(chrX:80667168-80751126)x3

Gene: BRWD3 (bromodomain and WD repeat domain containing 3; minus strand). Cytogenetic location: Xq21.1.
Variant type: copy number gain.
Change: copy number 3 of chrX:80,667,168-80,751,126 (84.0 kb, GRCh38 coordinates, 1-based), cytogenetic band Xq21.1.
Identifiers: ClinVar variation 4974708 (VCV004974708.1).